The following is an entry in ClinVar:

NM_198428.3(BBS9):c.1544A>T (p.Asn515Ile)

Gene: BBS9 (Bardet-Biedl syndrome 9; plus strand). Cytogenetic location: 7p14.3.
Variant type: single nucleotide variant.
Coding change: c.1544A>T on transcript NM_198428.3 (MANE Select); coding-DNA position 1544, A replaced by T.
Protein change: p.Asn515Ile; replaces asparagine 515 with isoleucine.
Molecular consequence: missense variant. On other transcripts: non-coding transcript variant (3), intron variant (3).
Genome position (GRCh38, 1-based): chr7:33,352,865, A>T. VCF-style: chr7-33352865-A-T. GRCh37 (hg19) VCF-style: chr7-33392477-A-T.
Other names: c.1439A>T, p.Asn480Ile (NM_001033604.2); c.1544A>T, p.Asn515Ile (NM_001348036.1, NM_001348041.4, NM_001348043.3 and 3 more transcripts); c.1178A>T, p.Asn393Ile (NM_001348037.3, NM_001348045.3, NM_001348046.3); c.1271A>T, p.Asn424Ile (NM_001348038.3); c.1166A>T, p.Asn389Ile (NM_001348039.3); c.1409A>T, p.Asn470Ile (NM_001348042.3); c.1073A>T, p.Asn358Ile (NM_001348044.3); c.1537+1542A>T (NM_001033605.2); and 1 more; short protein forms N424I, N480I, N515I, N389I, N470I, N393I, N358I.
Identifiers: ClinVar variation 2083690 (VCV002083690.2), dbSNP rs2536032400, ClinGen allele CA367256325.
Genomic context (GRCh38, chr7:33,352,865, plus strand): 5'-AATTTGTTGCCTTCTTTTCCCCCTACCCATTTTTGCATTGCCTGTGATGGACAGATCGAA[A>T]TCCTGATGGTAAGTGTAAAGATAATTTAGAAAAAAATGAATTTCAGAACTGAAATTTGAT-3'
Protein context (NP_940820.1, residues 505-525): VVSYSRPTDR[Asn515Ile]PDGIPRVIQC

ClinVar aggregate classification (germline): Uncertain significance. Review status: criteria provided, multiple submitters, no conflicts (2 of 4 stars). 2 submissions from 2 submitters: Uncertain significance (2). Last evaluated 2024-04-05.

Conditions:
Bardet-Biedl syndrome (BBS). Identifiers: Orphanet 110, MedGen C0752166, MONDO:0015229.

gnomAD v4.1: 2 of 1,612,670 alleles (0.00012%); highest among the groups gnomAD compares: Non-Finnish European, 0.00017%; no homozygotes.

Submissions (2):

Blueprint Genetics
Classification: Uncertain significance. Last evaluated: 2024-04-05. Review status: criteria provided, single submitter. Criteria: ACMG Guidelines, 2015. Collection method: clinical testing. Allele origin: germline.

Labcorp Genetics (formerly Invitae), Labcorp
Classification: Uncertain significance for Bardet-Biedl syndrome. Last evaluated: 2022-07-17. Review status: criteria provided, single submitter. Criteria: Invitae Variant Classification Sherloc (09022015). Collection method: clinical testing. Allele origin: germline.
Comment: This sequence change replaces asparagine, which is neutral and polar, with isoleucine, which is neutral and non-polar, at codon 515 of the BBS9 protein (p.Asn515Ile). This variant is not present in population databases (gnomAD no frequency). This variant has not been reported in the literature in individuals affected with BBS9-related conditions. Algorithms developed to predict the effect of missense changes on protein structure and function (SIFT, PolyPhen-2, Align-GVGD) all suggest that this variant is likely to be tolerated. In summary, the available evidence is currently insufficient to determine the role of this variant in disease. Therefore, it has been classified as a Variant of Uncertain Significance.